The following is an entry in ClinVar:

NM_000038.6(APC):c.6394T>C (p.Ser2132Pro)

Gene: APC (APC regulator of Wnt signaling pathway; plus strand). Cytogenetic location: 5q22.2.
Variant type: single nucleotide variant.
Coding change: c.6394T>C on transcript NM_000038.6 (MANE Select); coding-DNA position 6394, T replaced by C.
Protein change: p.Ser2132Pro; replaces serine 2132 with proline.
Molecular consequence: missense variant.
Genome position (GRCh38, 1-based): chr5:112,841,988, T>C. VCF-style: chr5-112841988-T-C. GRCh37 (hg19) VCF-style: chr5-112177685-T-C.
Other names: c.6394T>C, p.Ser2132Pro (NM_001127510.3, NM_001354895.2); c.6340T>C, p.Ser2114Pro (NM_001127511.3); c.6448T>C, p.Ser2150Pro (NM_001354896.2); c.6424T>C, p.Ser2142Pro (NM_001354897.2); c.6319T>C, p.Ser2107Pro (NM_001354898.2); c.6310T>C, p.Ser2104Pro (NM_001354899.2); c.6271T>C, p.Ser2091Pro (NM_001354900.2); c.6217T>C, p.Ser2073Pro (NM_001354901.2); and 5 more; short protein forms S1849P, S2006P, S2104P, S1972P, S2031P, S2041P, S2091P, S2132P.
Identifiers: ClinVar variation 826377 (VCV000826377.7), dbSNP rs1554087394, ClinGen allele CA16035331.

ClinVar aggregate classification (germline): Uncertain significance. Review status: criteria provided, multiple submitters, no conflicts (2 of 4 stars). 2 submissions from 2 submitters: Uncertain significance (2). Last evaluated 2024-06-17.

Conditions:
Familial adenomatous polyposis 1 (FAP1). Also called: POLYPOSIS, ADENOMATOUS INTESTINAL; FAMILIAL ADENOMATOUS POLYPOSIS 1, ATTENUATED. Identifiers: MedGen C2713442, MONDO:0021056, OMIM 175100. Disease mechanism: loss of function.
Hereditary cancer-predisposing syndrome. Also called: Neoplastic Syndromes, Hereditary; Tumor predisposition; Hereditary neoplastic syndrome; Hereditary Cancer Syndrome. Identifiers: Orphanet 140162, MedGen C0027672, MeSH D009386, MONDO:0015356.

Submissions (2):

Labcorp Genetics (formerly Invitae), Labcorp
Classification: Uncertain significance for Familial adenomatous polyposis 1. Last evaluated: 2024-06-17. Review status: criteria provided, single submitter. Criteria: Invitae Variant Classification Sherloc (09022015). Collection method: clinical testing. Allele origin: germline.
Comment: This sequence change replaces serine, which is neutral and polar, with proline, which is neutral and non-polar, at codon 2132 of the APC protein (p.Ser2132Pro). This variant is not present in population databases (gnomAD no frequency). This variant has not been reported in the literature in individuals affected with APC-related conditions. ClinVar contains an entry for this variant (Variation ID: 826377). Advanced modeling of protein sequence and biophysical properties (such as structural, functional, and spatial information, amino acid conservation, physicochemical variation, residue mobility, and thermodynamic stability) performed at Invitae indicates that this missense variant is not expected to disrupt APC protein function with a negative predictive value of 95%. In summary, the available evidence is currently insufficient to determine the role of this variant in disease. Therefore, it has been classified as a Variant of Uncertain Significance.

Ambry Genetics
Classification: Uncertain significance for Hereditary cancer-predisposing syndrome. Last evaluated: 2019-10-02. Review status: criteria provided, single submitter. Criteria: Ambry Variant Classification Scheme 2023. Collection method: clinical testing. Allele origin: germline.
Comment: The p.S2132P variant (also known as c.6394T>C), located in coding exon 15 of the APC gene, results from a T to C substitution at nucleotide position 6394. The serine at codon 2132 is replaced by proline, an amino acid with similar properties. This amino acid position is highly conserved in available vertebrate species. In addition, in silico predictors for this gene do not accurately predict pathogenicity. Since supporting evidence is limited at this time, the clinical significance of this alteration remains unclear.